The following is an entry in ClinVar:

NM_004517.4(ILK):c.223G>C (p.Ala75Pro)

Genes: ILK (integrin linked kinase; plus strand), TAF10 (TATA-box binding protein associated factor 10; minus strand). Cytogenetic location: 11p15.4.
Variant type: single nucleotide variant.
Coding change: c.223G>C on transcript NM_004517.4 (MANE Select); coding-DNA position 223, G replaced by C.
Protein change: p.Ala75Pro; replaces alanine 75 with proline.
Molecular consequence: missense variant. On other transcripts: 3 prime UTR variant (1), intron variant (1).
Genome position (GRCh38, 1-based): chr11:6,608,179, G>C. VCF-style: chr11-6608179-G-C. GRCh37 (hg19) VCF-style: chr11-6629409-G-C.
Other names: c.223G>C, p.Ala75Pro (NM_001014794.3, NM_001014795.3, NM_001278441.2); c.*2743C>G (NM_006284.4); c.-147-215G>C (NM_001278442.2); short protein forms A75P.
Identifiers: ClinVar variation 569806 (VCV000569806.9), dbSNP rs1564845235, ClinGen allele CA379455592.

ClinVar aggregate classification (germline): Uncertain significance (1 of 4 stars; one submission).

Conditions:
Primary familial hypertrophic cardiomyopathy (HCM). Identifiers: Orphanet 99739, MedGen C0949658, MeSH D024741, MONDO:0024573. Inheritance: Various modes of inheritance.

Submission:

Labcorp Genetics (formerly Invitae), Labcorp
Classification: Uncertain significance for Primary familial hypertrophic cardiomyopathy. Last evaluated: 2018-04-06. Review status: criteria provided, single submitter. Criteria: Invitae Variant Classification Sherloc (09022015). Collection method: clinical testing. Allele origin: germline.
Comment: This sequence change replaces alanine with proline at codon 75 of the ILK protein (p.Ala75Pro). The alanine residue is highly conserved and there is a small physicochemical difference between alanine and proline. This variant is not present in population databases (ExAC no frequency). This variant has not been reported in the literature in individuals with ILK-related disease. Algorithms developed to predict the effect of missense changes on protein structure and function (SIFT, PolyPhen-2, Align-GVGD) all suggest that this variant is likely to be disruptive, but these predictions have not been confirmed by published functional studies and their clinical significance is uncertain. In summary, the available evidence is currently insufficient to determine the role of this variant in disease. Therefore, it has been classified as a Variant of Uncertain Significance.